The following is an entry in ClinVar:

NM_004174.4(SLC9A3):c.2272T>A (p.Ser758Thr)

Genes: SLC9A3 (solute carrier family 9 member A3), SLC9A3-AS1 (SLC9A3 antisense RNA 1; plus strand). Cytogenetic location: 5p15.33.
Variant type: single nucleotide variant.
Coding change: c.2272T>A on transcript NM_004174.4 (MANE Select); coding-DNA position 2272, T replaced by A.
Protein change: p.Ser758Thr; replaces serine 758 with threonine.
Molecular consequence: missense variant.
Genome position (GRCh38, 1-based): chr5:475,112, A>T on the plus strand (T>A on the coding strand, the complement: SLC9A3 is on the minus strand). VCF-style: chr5-475112-A-T. GRCh37 (hg19) VCF-style: chr5-475227-A-T.
Other names: c.2245T>A, p.Ser749Thr (NM_001284351.3); short protein forms S758T, S749T.
Identifiers: ClinVar variation 3798388 (VCV003798388.2).

ClinVar aggregate classification (germline): Uncertain significance. Review status: criteria provided, multiple submitters, no conflicts (2 of 4 stars). 2 submissions from 2 submitters: Uncertain significance (2). Last evaluated 2025-03-04.

Conditions:
Inborn genetic diseases. Identifiers: MedGen C0950123, MeSH D030342.

gnomAD v4.1: 1 of 1,602,634 alleles (0.000062%); highest among the groups gnomAD compares: African/African-American, 0.0013%; no homozygotes.

Submissions (2):

Labcorp Genetics (formerly Invitae), Labcorp
Classification: Uncertain significance. Last evaluated: 2025-03-04. Review status: criteria provided, single submitter. Criteria: Invitae Variant Classification Sherloc (09022015). Collection method: clinical testing. Allele origin: germline.
Comment: This sequence change replaces serine, which is neutral and polar, with threonine, which is neutral and polar, at codon 758 of the SLC9A3 protein (p.Ser758Thr). This variant is not present in population databases (gnomAD no frequency). This variant has not been reported in the literature in individuals affected with SLC9A3-related conditions. An algorithm developed to predict the effect of missense changes on protein structure and function (PolyPhen-2) suggests that this variant is likely to be tolerated. In summary, the available evidence is currently insufficient to determine the role of this variant in disease. Therefore, it has been classified as a Variant of Uncertain Significance.

Ambry Genetics
Classification: Uncertain significance for Inborn genetic diseases. Last evaluated: 2024-12-25. Review status: criteria provided, single submitter. Criteria: Ambry Variant Classification Scheme 2023. Collection method: clinical testing. Allele origin: germline.